The following is an entry in ClinVar:

NM_201384.3(PLEC):c.5524A>G (p.Ile1842Val)

Gene: PLEC (plectin; minus strand). Cytogenetic location: 8q24.3.
Variant type: single nucleotide variant.
Coding change: c.5524A>G on transcript NM_201384.3 (MANE Select); coding-DNA position 5524, A replaced by G.
Protein change: p.Ile1842Val; replaces isoleucine 1842 with valine.
Molecular consequence: missense variant.
Genome position (GRCh38, 1-based): chr8:143,924,405, T>C on the plus strand (A>G on the coding strand, the complement: PLEC is on the minus strand). VCF-style: chr8-143924405-T-C. GRCh37 (hg19) VCF-style: chr8-144998573-T-C.
Other names: c.5605A>G, p.Ile1869Val (NM_000445.5); c.5482A>G, p.Ile1828Val (NM_201378.4); c.5458A>G, p.Ile1820Val (NM_201379.3); c.5935A>G, p.Ile1979Val (NM_201380.4); c.5428A>G, p.Ile1810Val (NM_201381.3); c.5524A>G, p.Ile1842Val (NM_201382.4); c.5536A>G, p.Ile1846Val (NM_201383.3); short protein forms I1820V, I1842V, I1810V, I1828V, I1979V, I1846V, I1869V.
Identifiers: ClinVar variation 1927069 (VCV001927069.5), dbSNP rs1554697131, ClinGen allele CA372544203.

ClinVar aggregate classification (germline): Uncertain significance (1 of 4 stars; one submission).

Conditions:
Epidermolysis bullosa simplex 5B, with muscular dystrophy (EBS5B). Also called: Epidermolysis bullosa simplex with muscular dystrophy; EPIDERMOLYSIS BULLOSA SIMPLEX AND LIMB-GIRDLE MUSCULAR DYSTROPHY. Identifiers: Orphanet 257, MedGen C2931072, MONDO:0009181, OMIM 226670.
Epidermolysis bullosa simplex, Ogna type (EBS5A). Also called: EPIDERMOLYSIS BULLOSA SIMPLEX 5A, OGNA TYPE; Pidermolysis bullosa simplex 5A, Ogna type. Identifiers: Orphanet 79401, MedGen C0432317, MONDO:0007555, OMIM 131950.
Epidermolysis bullosa simplex 5C, with pyloric atresia (EBS5C). Also called: PLEC-Related Epidermolysis Bullosa with Pyloric Atresia; Epidermolysis bullosa simplex with pyloric atresia; PLEC1-Related Epidermolysis Bullosa with Pyloric Atresia. Identifiers: Orphanet 158684, MedGen C2677349, MONDO:0012807, OMIM 612138.
Epidermolysis bullosa simplex with nail dystrophy (EBS5D). Identifiers: MedGen C4225309, MONDO:0014661, OMIM 616487.
Autosomal recessive limb-girdle muscular dystrophy type 2Q (LGMDR17). Also called: MUSCULAR DYSTROPHY, LIMB-GIRDLE, AUTOSOMAL RECESSIVE 17. Identifiers: Orphanet 254361, MedGen C3150989, MONDO:0013390, OMIM 613723.

Allele frequency attached by ClinVar (database versions not stated): gnomAD 0.00001; TOPMed 0.00001.
gnomAD v4.1: 10 of 1,593,500 alleles (0.00063%); highest among the groups gnomAD compares: Middle Eastern, 0.017%; no homozygotes.

Submission:

Labcorp Genetics (formerly Invitae), Labcorp
Classification: Uncertain significance for Autosomal recessive limb-girdle muscular dystrophy type 2Q; Epidermolysis bullosa simplex, Ogna type; Epidermolysis bullosa simplex with nail dystrophy; Epidermolysis bullosa simplex 5C, with pyloric atresia; Epidermolysis bullosa simplex 5B, with muscular dystrophy. Last evaluated: 2022-10-07. Review status: criteria provided, single submitter. Criteria: Invitae Variant Classification Sherloc (09022015). Collection method: clinical testing. Allele origin: germline.
Comment: This sequence change replaces isoleucine, which is neutral and non-polar, with valine, which is neutral and non-polar, at codon 1869 of the PLEC protein (p.Ile1869Val). This variant is not present in population databases (gnomAD no frequency). This variant has not been reported in the literature in individuals affected with PLEC-related conditions. Algorithms developed to predict the effect of missense changes on protein structure and function are either unavailable or do not agree on the potential impact of this missense change (SIFT: "Deleterious"; PolyPhen-2: "Not Available"; Align-GVGD: "Class C25"). In summary, the available evidence is currently insufficient to determine the role of this variant in disease. Therefore, it has been classified as a Variant of Uncertain Significance.